The following is an entry in ClinVar:

ClinVar aggregate classification (germline): Uncertain significance. Review status: criteria provided, multiple submitters, no conflicts (2 of 4 stars). 3 submissions from 3 submitters: Uncertain significance (3). Last evaluated 2026-06-02.

Conditions:
Inborn genetic diseases. Identifiers: MedGen C0950123, MeSH D030342.

Allele frequency attached by ClinVar (database versions not stated): gnomAD exomes 0.00001; TOPMed 0.00008; ExAC 0.00001; gnomAD 0.00008 and 0.00007.
gnomAD v4.1: 15 of 1,548,182 alleles (0.00097%); highest among the groups gnomAD compares: African/African-American, 0.018%; no homozygotes.

Submissions (3):

Women's Health and Genetics/Laboratory Corporation of America, LabCorp
Classification: Uncertain significance. Last evaluated: 2026-06-02. Review status: criteria provided, single submitter. Criteria: LabCorp Variant Classification Summary - May 2015. Collection method: clinical testing. Allele origin: germline.
Comment: Variant summary: COL10A1 c.1474C>G (p.Pro492Ala) results in a non-conservative amino acid change in the encoded protein sequence. Algorithms developed to predict the effect of missense changes on protein structure and function all suggest that this variant is likely to be disruptive. The variant allele was found at a frequency of 5.3e-06 in 188124 control chromosomes. The available data on variant occurrences in the general population are insufficient to allow any conclusion about variant significance. To our knowledge, no occurrence of c.1474C>G in individuals affected with COL10A1-related conditions and no experimental evidence demonstrating its impact on protein function have been reported. ClinVar contains an entry for this variant (Variation ID: 1463736). Based on the evidence outlined above, the variant was classified as uncertain significance.

Ambry Genetics
Classification: Uncertain significance for Inborn genetic diseases. Last evaluated: 2024-09-03. Review status: criteria provided, single submitter. Criteria: Ambry Variant Classification Scheme 2023. Collection method: clinical testing. Allele origin: germline.

Labcorp Genetics (formerly Invitae), Labcorp
Classification: Uncertain significance. Last evaluated: 2022-10-01. Review status: criteria provided, single submitter. Criteria: Invitae Variant Classification Sherloc (09022015). Collection method: clinical testing. Allele origin: germline.
Comment: This sequence change replaces proline, which is neutral and non-polar, with alanine, which is neutral and non-polar, at codon 492 of the COL10A1 protein (p.Pro492Ala). This variant is present in population databases (rs769587032, gnomAD 0.01%). This variant has not been reported in the literature in individuals affected with COL10A1-related conditions. ClinVar contains an entry for this variant (Variation ID: 1463736). In summary, the available evidence is currently insufficient to determine the role of this variant in disease. Therefore, it has been classified as a Variant of Uncertain Significance. Algorithms developed to predict the effect of missense changes on protein structure and function output the following: SIFT: "Deleterious"; PolyPhen-2: "Not Available"; Align-GVGD: "Class C0". The alanine amino acid residue is found in multiple mammalian species, which suggests that this missense change does not adversely affect protein function.

NM_000493.4(COL10A1):c.1474C>G (p.Pro492Ala)

Genes: COL10A1 (collagen type X alpha 1 chain; minus strand), NT5DC1 (5'-nucleotidase domain containing 1; plus strand). Cytogenetic location: 6q22.1.
Variant type: single nucleotide variant.
Coding change: c.1474C>G on transcript NM_000493.4 (MANE Select); coding-DNA position 1474, C replaced by G.
Protein change: p.Pro492Ala; replaces proline 492 with alanine.
Molecular consequence: missense variant. On other transcripts: intron variant (1).
Genome position (GRCh38, 1-based): chr6:116,120,642, G>C on the plus strand (C>G on the coding strand, the complement: COL10A1 is on the minus strand). VCF-style: chr6-116120642-G-C. GRCh37 (hg19) VCF-style: chr6-116441805-G-C.
Other names: c.1474C>G (NM_000493.3); c.529+2697G>C (NM_152729.3); c.1474C>G, p.Pro492Ala (NM_001424106.1, NM_001424107.1); short protein forms P492A.
Identifiers: ClinVar variation 1463736 (VCV001463736.8), dbSNP rs769587032, ClinGen allele CA3968166.